The following is an entry in ClinVar:

ClinVar aggregate classification (germline): Uncertain significance (1 of 4 stars; one submission).

gnomAD v4.1: 13 of 1,613,998 alleles (0.00081%); highest among the groups gnomAD compares: Middle Eastern, 0.033%; no homozygotes.

Submission:

Women's Health and Genetics/Laboratory Corporation of America, LabCorp
Classification: Uncertain significance. Last evaluated: 2025-02-03. Review status: criteria provided, single submitter. Criteria: LabCorp Variant Classification Summary - May 2015. Collection method: clinical testing. Allele origin: germline.
Comment: Variant summary: TTN c.560C>T (p.Ser187Leu) results in a non-conservative amino acid change in the encoded protein sequence. Five of five in-silico tools predict a damaging effect of the variant on protein function. The variant allele was found at a frequency of 8e-06 in 251300 control chromosomes. The available data on variant occurrences in the general population are insufficient to allow any conclusion about variant significance. To our knowledge, no occurrence of c.560C>T in individuals affected with Autosomal Recessive Titinopathy and no experimental evidence demonstrating its impact on protein function have been reported. No submitters have cited clinical-significance assessments for this variant to ClinVar. Based on the evidence outlined above, the variant was classified as uncertain significance.

NM_001267550.2(TTN):c.560C>T (p.Ser187Leu)

Gene: TTN (titin; minus strand). Cytogenetic location: 2q31.2.
Variant type: single nucleotide variant.
Coding change: c.560C>T on transcript NM_001267550.2 (MANE Select); coding-DNA position 560, C replaced by T.
Protein change: p.Ser187Leu; replaces serine 187 with leucine.
Molecular consequence: missense variant.
Genome position (GRCh38, 1-based): chr2:178,800,418, G>A on the plus strand (C>T on the coding strand, the complement: TTN is on the minus strand). VCF-style: chr2-178800418-G-A. GRCh37 (hg19) VCF-style: chr2-179665145-G-A.
Other names: c.560C>T, p.Ser187Leu (NM_001256850.1, NM_003319.4, NM_133378.4 and 3 more transcripts); short protein forms S187L.
Identifiers: ClinVar variation 3768812 (VCV003768812.1).